The following is an entry in ClinVar:

NM_000937.5(POLR2A):c.2881G>C (p.Glu961Gln)

Gene: POLR2A (RNA polymerase II subunit A; plus strand). Cytogenetic location: 17p13.1.
Variant type: single nucleotide variant.
Coding change: c.2881G>C on transcript NM_000937.5 (MANE Select); coding-DNA position 2881, G replaced by C.
Protein change: p.Glu961Gln; replaces glutamic acid 961 with glutamine.
Molecular consequence: missense variant.
Genome position (GRCh38, 1-based): chr17:7,503,245, G>C. VCF-style: chr17-7503245-G-C. GRCh37 (hg19) VCF-style: chr17-7406564-G-C.
Other names: short protein forms E961Q.
Identifiers: ClinVar variation 3629733 (VCV003629733.1).

ClinVar aggregate classification (germline): Uncertain significance (1 of 4 stars; one submission).

Submission:

Women's Health and Genetics/Laboratory Corporation of America, LabCorp
Classification: Uncertain significance. Last evaluated: 2024-11-11. Review status: criteria provided, single submitter. Criteria: LabCorp Variant Classification Summary - May 2015. Collection method: clinical testing. Allele origin: germline.
Comment: Variant summary: POLR2A c.2881G>C (p.Glu961Gln) results in a conservative amino acid change in the encoded protein sequence. Four of five in-silico tools predict a benign effect of the variant on protein function. The variant was absent in 250930 control chromosomes. The available data on variant occurrences in the general population are insufficient to allow any conclusion about variant significance. To our knowledge, no occurrence of c.2881G>C in individuals affected with Neurodevelopmental Disorder With Hypotonia And Variable Intellectual And Behavioral Abnormalities and no experimental evidence demonstrating its impact on protein function have been reported. No submitters have cited clinical-significance assessments for this variant to ClinVar. Based on the evidence outlined above, the variant was classified as uncertain significance.